The following is an entry in ClinVar:

ClinVar aggregate classification (germline): Uncertain significance. Review status: criteria provided, multiple submitters, no conflicts (2 of 4 stars). 2 submissions from 2 submitters: Uncertain significance (2). Last evaluated 2026-09-11.

Conditions:
Arrhythmogenic right ventricular dysplasia 10. Also called: Arrhythmogenic Right Ventricular Dysplasia/Cardiomyopathy10; ARRHYTHMOGENIC RIGHT VENTRICULAR DYSPLASIA, FAMILIAL, 10; Arrhythmogenic right ventricular dysplasia/cardiomyopathy, type 10. Identifiers: MedGen C1857777, MONDO:0012434, OMIM 610193.
Cardiovascular phenotype. Identifiers: MedGen CN230736.

gnomAD v4.1: 2 of 1,286,630 alleles (0.00016%); highest among the groups gnomAD compares: Non-Finnish European, 0.00021%; no homozygotes.

Submissions (2):

Ambry Genetics
Classification: Uncertain significance for Cardiovascular phenotype. Last evaluated: 2026-09-11. Review status: criteria provided, single submitter. Criteria: Ambry Variant Classification Scheme 2023. Collection method: clinical testing. Allele origin: germline.
Comment: The p.D778N variant (also known as c.2332G>A), located in coding exon 14 of the DSG2 gene, results from a G to A substitution at nucleotide position 2332. The aspartic acid at codon 778 is replaced by asparagine, an amino acid with highly similar properties. This amino acid position is conserved. In addition, this alteration is predicted to be tolerated by in silico analysis. Based on the available evidence, the clinical significance of this variant remains unclear.

Labcorp Genetics (formerly Invitae), Labcorp
Classification: Uncertain significance for Arrhythmogenic right ventricular dysplasia 10. Last evaluated: 2025-08-11. Review status: criteria provided, single submitter. Criteria: Invitae Variant Classification Sherloc (09022015). Collection method: clinical testing. Allele origin: germline.
Comment: This sequence change replaces aspartic acid, which is acidic and polar, with asparagine, which is neutral and polar, at codon 778 of the DSG2 protein (p.Asp778Asn). This variant is not present in population databases (gnomAD no frequency). This variant has not been reported in the literature in individuals affected with DSG2-related conditions. Invitae Evidence Modeling of protein sequence and biophysical properties (such as structural, functional, and spatial information, amino acid conservation, physicochemical variation, residue mobility, and thermodynamic stability) indicates that this missense variant is not expected to disrupt DSG2 protein function with a negative predictive value of 95%. In summary, the available evidence is currently insufficient to determine the role of this variant in disease. Therefore, it has been classified as a Variant of Uncertain Significance.

NM_001943.5(DSG2):c.2332G>A (p.Asp778Asn)

Genes: DSG2 (desmoglein 2; plus strand), DSG2-AS1 (DSG2 antisense RNA 1; minus strand). Cytogenetic location: 18q12.1.
Variant type: single nucleotide variant.
Coding change: c.2332G>A on transcript NM_001943.5 (MANE Select); coding-DNA position 2332, G replaced by A.
Protein change: p.Asp778Asn; replaces aspartic acid 778 with asparagine.
Molecular consequence: missense variant.
Genome position (GRCh38, 1-based): chr18:31,542,850, G>A. VCF-style: chr18-31542850-G-A. GRCh37 (hg19) VCF-style: chr18-29122813-G-A.
Other names: short protein forms D778N.
Identifiers: ClinVar variation 4245044 (VCV004245044.3).